The following is an entry in ClinVar:

ClinVar aggregate classification (germline): Uncertain significance (1 of 4 stars; one submission).

Conditions:
Epidermolysis bullosa simplex with nail dystrophy (EBS5D). Identifiers: MedGen C4225309, MONDO:0014661, OMIM 616487.
Epidermolysis bullosa simplex, Ogna type (EBS5A). Also called: EPIDERMOLYSIS BULLOSA SIMPLEX 5A, OGNA TYPE; Pidermolysis bullosa simplex 5A, Ogna type. Identifiers: Orphanet 79401, MedGen C0432317, MONDO:0007555, OMIM 131950.
Autosomal recessive limb-girdle muscular dystrophy type 2Q (LGMDR17). Also called: MUSCULAR DYSTROPHY, LIMB-GIRDLE, AUTOSOMAL RECESSIVE 17. Identifiers: Orphanet 254361, MedGen C3150989, MONDO:0013390, OMIM 613723.
Epidermolysis bullosa simplex 5B, with muscular dystrophy (EBS5B). Also called: EPIDERMOLYSIS BULLOSA SIMPLEX AND LIMB-GIRDLE MUSCULAR DYSTROPHY; Epidermolysis bullosa simplex with muscular dystrophy. Identifiers: Orphanet 257, MedGen C2931072, MONDO:0009181, OMIM 226670.
Epidermolysis bullosa simplex 5C, with pyloric atresia (EBS5C). Also called: PLEC-Related Epidermolysis Bullosa with Pyloric Atresia; Epidermolysis bullosa simplex with pyloric atresia; PLEC1-Related Epidermolysis Bullosa with Pyloric Atresia. Identifiers: Orphanet 158684, MedGen C2677349, MONDO:0012807, OMIM 612138.

gnomAD v4.1: 1 of 1,588,840 alleles (0.000063%); highest among the groups gnomAD compares: Non-Finnish European, 0.000085%; no homozygotes.

Submission:

Labcorp Genetics (formerly Invitae), Labcorp
Classification: Uncertain significance for Autosomal recessive limb-girdle muscular dystrophy type 2Q; Epidermolysis bullosa simplex, Ogna type; Epidermolysis bullosa simplex with nail dystrophy; Epidermolysis bullosa simplex 5C, with pyloric atresia; Epidermolysis bullosa simplex 5B, with muscular dystrophy. Last evaluated: 2025-10-27. Review status: criteria provided, single submitter. Criteria: Invitae Variant Classification Sherloc (09022015). Collection method: clinical testing. Allele origin: germline.
Comment: This sequence change replaces glutamic acid, which is acidic and polar, with aspartic acid, which is acidic and polar, at codon 2056 of the PLEC protein (p.Glu2056Asp). This variant is not present in population databases (gnomAD no frequency). This variant has not been reported in the literature in individuals affected with PLEC-related conditions. An algorithm developed to predict the effect of missense changes on protein structure and function (PolyPhen-2) suggests that this variant is likely to be tolerated. In summary, the available evidence is currently insufficient to determine the role of this variant in disease. Therefore, it has been classified as a Variant of Uncertain Significance.

NM_201384.3(PLEC):c.6087G>C (p.Glu2029Asp)

Gene: PLEC (plectin; minus strand). Cytogenetic location: 8q24.3.
Variant type: single nucleotide variant.
Coding change: c.6087G>C on transcript NM_201384.3 (MANE Select); coding-DNA position 6087, G replaced by C.
Protein change: p.Glu2029Asp; replaces glutamic acid 2029 with aspartic acid.
Molecular consequence: missense variant. On other transcripts: intron variant (1).
Genome position (GRCh38, 1-based): chr8:143,923,842, C>G on the plus strand (G>C on the coding strand, the complement: PLEC is on the minus strand). VCF-style: chr8-143923842-C-G. GRCh37 (hg19) VCF-style: chr8-144998010-C-G.
Other names: c.6168G>C, p.Glu2056Asp (NM_000445.5); c.6045G>C, p.Glu2015Asp (NM_201378.4); c.6021G>C, p.Glu2007Asp (NM_201379.3); c.6498G>C, p.Glu2166Asp (NM_201380.4); c.5991G>C, p.Glu1997Asp (NM_201381.3); c.6087G>C, p.Glu2029Asp (NM_201382.4); c.6099G>C, p.Glu2033Asp (NM_201383.3); c.4126-1447G>C (NM_001410941.1); short protein forms E1997D, E2015D, E2029D, E2033D, E2056D, E2007D, E2166D.
Identifiers: ClinVar variation 4790730 (VCV004790730.1).